The following is an entry in ClinVar:

ClinVar aggregate classification (germline): Uncertain significance. Review status: criteria provided, multiple submitters, no conflicts (2 of 4 stars). 2 submissions from 2 submitters: Uncertain significance (2). Last evaluated 2025-09-15.

Conditions:
Hereditary cancer-predisposing syndrome. Also called: Hereditary neoplastic syndrome; Tumor predisposition; Neoplastic Syndromes, Hereditary; Hereditary Cancer Syndrome. Identifiers: Orphanet 140162, MedGen C0027672, MeSH D009386, MONDO:0015356.
Rhabdoid tumor predisposition syndrome 2 (RTPS2). Identifiers: Orphanet 231108, Orphanet 69077, MedGen C2750074, MONDO:0013224, OMIM 613325.

Allele frequency attached by ClinVar (database versions not stated): gnomAD exomes below 0.00001; ExAC 0.00002.

Submissions (2):

Labcorp Genetics (formerly Invitae), Labcorp
Classification: Uncertain significance for Rhabdoid tumor predisposition syndrome 2. Last evaluated: 2025-09-15. Review status: criteria provided, single submitter. Criteria: Invitae Variant Classification Sherloc (09022015). Collection method: clinical testing. Allele origin: germline.
Comment: This sequence change replaces aspartic acid, which is acidic and polar, with asparagine, which is neutral and polar, at codon 1235 of the SMARCA4 protein (p.Asp1235Asn). This variant is present in population databases (rs759192892, gnomAD 0.003%). This variant has not been reported in the literature in individuals affected with SMARCA4-related conditions. ClinVar contains an entry for this variant (Variation ID: 570188). Invitae Evidence Modeling of protein sequence and biophysical properties (such as structural, functional, and spatial information, amino acid conservation, physicochemical variation, residue mobility, and thermodynamic stability) has been performed for this missense variant. However, the output from this modeling did not meet the statistical confidence thresholds required to predict the impact of this variant on SMARCA4 protein function. In summary, the available evidence is currently insufficient to determine the role of this variant in disease. Therefore, it has been classified as a Variant of Uncertain Significance.

Ambry Genetics
Classification: Uncertain significance for Hereditary cancer-predisposing syndrome. Last evaluated: 2023-11-30. Review status: criteria provided, single submitter. Criteria: Ambry Variant Classification Scheme 2023. Collection method: clinical testing. Allele origin: germline.
Comment: The p.D1235N variant (also known as c.3703G>A), located in coding exon 25 of the SMARCA4 gene, results from a G to A substitution at nucleotide position 3703. The aspartic acid at codon 1235 is replaced by asparagine, an amino acid with highly similar properties. This amino acid position is highly conserved in available vertebrate species. In addition, the in silico prediction for this alteration is inconclusive. Missense and in-frame variants in SMARCA4 are known to cause neurodevelopmental disorders; however, such associations with rhabdoid tumor predisposition syndrome including small cell carcinoma of the ovary-hypercalcemic type (SCCOHT) are exceedingly rare (Kosho T et al. Am J Med Genet C Semin Med Genet. 2014 Sep;166C(3):262-75; Jelinic P et al. Nat Genet. 2014 May;46(5):424-6). Since supporting evidence is limited at this time, the clinical significance of this alteration remains unclear.

NM_003072.5(SMARCA4):c.3703G>A (p.Asp1235Asn)

Gene: SMARCA4 (SWI/SNF related BAF chromatin remodeling complex subunit ATPase 4; plus strand). Cytogenetic location: 19p13.2.
Variant type: single nucleotide variant.
Coding change: c.3703G>A on transcript NM_003072.5 (MANE Select); coding-DNA position 3703, G replaced by A.
Protein change: p.Asp1235Asn; replaces aspartic acid 1235 with asparagine.
Molecular consequence: missense variant. On other transcripts: non-coding transcript variant (1).
Genome position (GRCh38, 1-based): chr19:11,033,446, G>A. VCF-style: chr19-11033446-G-A. GRCh37 (hg19) VCF-style: chr19-11144122-G-A.
Other names: c.3703G>A, p.Asp1235Asn (NM_001128844.3, NM_001128845.2, NM_001128846.2 and 5 more transcripts); short protein forms D1235N.
Identifiers: ClinVar variation 570188 (VCV000570188.11), dbSNP rs759192892, ClinGen allele CA9204488.